The following is an entry in ClinVar:

NM_000530.8(MPZ):c.181dup (p.Asp61fs)

Gene: MPZ (myelin protein zero; minus strand). Cytogenetic location: 1q23.3.
Variant type: Duplication.
Coding change: c.181dup on transcript NM_000530.8 (MANE Select); coding-DNA position 181, one base duplicated (G; older notation c.181dupG).
Protein change: p.Asp61fs; shifts the reading frame from aspartic acid 61.
Molecular consequence: frameshift variant.
Genome position (GRCh38, 1-based): chr1:161,307,311, C duplicated on the plus strand (G on the coding strand, the reverse complement: MPZ is on the minus strand). VCF-style (leftmost placement, unchanged base first): chr1-161307310-T-TC. GRCh37 (hg19) VCF-style: chr1-161277100-T-TC.
Other names: c.181dup, p.Asp61fs (NM_001315491.2); c.181dupG (NM_000530.6); short protein forms D61fs.
Identifiers: ClinVar variation 1780739 (VCV001780739.2), dbSNP rs2526243453, ClinGen allele CA2580061345.

ClinVar aggregate classification (germline): Pathogenic (1 of 4 stars; one submission).

Conditions:
Inborn genetic diseases. Identifiers: MedGen C0950123, MeSH D030342.

Submission:

Ambry Genetics
Classification: Pathogenic for Inborn genetic diseases. Last evaluated: 2022-07-19. Review status: criteria provided, single submitter. Criteria: Ambry Variant Classification Scheme 2023. Collection method: clinical testing. Allele origin: germline.
Comment: The c.181dupG pathogenic mutation, located in coding exon 2 of the MPZ gene, results from a duplication of G at nucleotide position 181, causing a translational frameshift with a predicted alternate stop codon (p.D61Gfs*30). This variant is considered to be rare based on population cohorts in the Genome Aggregation Database (gnomAD). This alteration is expected to result in loss of function by premature protein truncation or nonsense-mediated mRNA decay. As such, this alteration is interpreted as a disease-causing mutation.